The following is an entry in ClinVar:

NM_001286.5(CLCN6):c.1239C>G (p.Phe413Leu)

Gene: CLCN6 (chloride voltage-gated channel 6; plus strand). Cytogenetic location: 1p36.22.
Variant type: single nucleotide variant.
Coding change: c.1239C>G on transcript NM_001286.5 (MANE Select); coding-DNA position 1239, C replaced by G.
Protein change: p.Phe413Leu; replaces phenylalanine 413 with leucine.
Molecular consequence: missense variant. On other transcripts: non-coding transcript variant (1).
Genome position (GRCh38, 1-based): chr1:11,829,313, C>G. VCF-style: chr1-11829313-C-G. GRCh37 (hg19) VCF-style: chr1-11889370-C-G.
Other names: c.1173C>G, p.Phe391Leu (NM_001256959.2); short protein forms F391L, F413L.
Identifiers: ClinVar variation 2835711 (VCV002835711.3), dbSNP rs1455739407, ClinGen allele CA338432239.

ClinVar aggregate classification (germline): Uncertain significance (1 of 4 stars; one submission).

Allele frequency attached by ClinVar (database versions not stated): gnomAD exomes below 0.00001; TOPMed below 0.00001.
gnomAD v4.1: 1 of 1,614,126 alleles (0.000062%); highest among the groups gnomAD compares: Admixed American, 0.0017%; no homozygotes.

Submission:

Labcorp Genetics (formerly Invitae), Labcorp
Classification: Uncertain significance. Last evaluated: 2023-03-17. Review status: criteria provided, single submitter. Criteria: Invitae Variant Classification Sherloc (09022015). Collection method: clinical testing. Allele origin: germline.
Comment: This sequence change replaces phenylalanine, which is neutral and non-polar, with leucine, which is neutral and non-polar, at codon 413 of the CLCN6 protein (p.Phe413Leu). In summary, the available evidence is currently insufficient to determine the role of this variant in disease. Therefore, it has been classified as a Variant of Uncertain Significance. Algorithms developed to predict the effect of missense changes on protein structure and function output the following: SIFT: "Not Available"; PolyPhen-2: "Benign"; Align-GVGD: "Not Available". The leucine amino acid residue is found in multiple mammalian species, which suggests that this missense change does not adversely affect protein function. This variant has not been reported in the literature in individuals affected with CLCN6-related conditions. The frequency data for this variant in the population databases is considered unreliable, as metrics indicate poor data quality at this position in the gnomAD database.